The following is an entry in ClinVar:

ClinVar aggregate classification (germline): Likely benign (1 of 4 stars; one submission).

Submission:

Women's Health and Genetics/Laboratory Corporation of America, LabCorp
Classification: Likely benign. Last evaluated: 2025-07-30. Review status: criteria provided, single submitter. Criteria: LabCorp Variant Classification Summary - May 2015. Collection method: clinical testing. Allele origin: germline.
Comment: Variant summary: HBB c.9T>G (p.His3Gln) results in a non-conservative amino acid change in the encoded protein sequence. Algorithms developed to predict the effect of missense changes on protein structure and function are either unavailable or do not agree on the potential impact of this missense change. The variant was absent in 251090 control chromosomes. The available data on variant occurrences in the general population are insufficient to allow any conclusion about variant significance. c.9T>G has been observed in individual(s) in the context of Hemoglobinopathy (Harano_1983, Henderson_2016). These report(s) do not provide unequivocal conclusions about association of the variant with Beta Thalassemia. At least one publication reports experimental evidence evaluating an impact on protein function (Harano_1983). These results showed no damaging effect of this variant. The following publications have been ascertained in the context of this evaluation (PMID: 6852251, 16178917, 23885183, 7578525, 26635043). No submitters have cited clinical-significance assessments for this variant to ClinVar. Based on the evidence outlined above, the variant was classified as likely benign.

Literature cited by the submitters: PubMed 6852251; PubMed 16178917; PubMed 23885183; PubMed 7578525; PubMed 11017951; PubMed 26635043.

NM_000518.5(HBB):c.9T>G (p.His3Gln)

Genes: HBB (hemoglobin subunit beta; minus strand), LOC106099062 (HBB recombination region; plus strand), LOC107133510 (origin of replication at HBB; plus strand). Cytogenetic location: 11p15.4.
Variant type: single nucleotide variant.
Coding change: c.9T>G on transcript NM_000518.5 (MANE Select); coding-DNA position 9, T replaced by G.
Protein change: p.His3Gln; replaces histidine 3 with glutamine.
Molecular consequence: missense variant.
Genome position (GRCh38, 1-based): chr11:5,227,013, A>C on the plus strand (T>G on the coding strand, the complement: HBB is on the minus strand). VCF-style: chr11-5227013-A-C. GRCh37 (hg19) VCF-style: chr11-5248243-A-C.
Other names: short protein forms H3Q.
Identifiers: ClinVar variation 4525835 (VCV004525835.1).